The following is an entry in ClinVar:

NM_016030.6(TRAPPC12):c.48G>A (p.Pro16=)

Gene: TRAPPC12 (trafficking protein particle complex subunit 12; plus strand). Cytogenetic location: 2p25.3.
Variant type: single nucleotide variant.
Coding change: c.48G>A on transcript NM_016030.6 (MANE Select); coding-DNA position 48, G replaced by A.
Protein change: p.Pro16=; no amino-acid change (proline 16 retained).
Molecular consequence: synonymous variant.
Genome position (GRCh38, 1-based): chr2:3,387,671, G>A. VCF-style: chr2-3387671-G-A. GRCh37 (hg19) VCF-style: chr2-3391442-G-A.
Other names: c.48G>A, p.Pro16= (NM_001321102.2).
Identifiers: ClinVar variation 5000925 (VCV005000925.1).

ClinVar aggregate classification (germline): Likely benign (1 of 4 stars; one submission).

Conditions:
TRAPPC12-related disorder. Also called: TRAPPC12-related condition.

gnomAD v4.1: 10 of 1,554,260 alleles (0.00064%); highest among the groups gnomAD compares: African/African-American, 0.0055%; no homozygotes.

Submission:

PreventionGenetics, part of Exact Sciences
Classification: Likely benign for TRAPPC12-related condition. Last evaluated: 2026-02-07. Review status: criteria provided, single submitter. Criteria: ACMG Guidelines, 2015. Collection method: clinical testing. Allele origin: germline.
Comment: This variant is classified as likely benign based on ACMG/AMP sequence variant interpretation guidelines (Richards et al. 2015 PMID: 25741868, with internal and published modifications).